The following is an entry in ClinVar:

ClinVar aggregate classification (germline): Likely benign. Review status: criteria provided, multiple submitters, no conflicts (2 of 4 stars). 3 submissions from 3 submitters: Likely benign (2). 1 of the submissions does not count toward it. Last evaluated 2024-10-11.

Conditions:
Pyogenic arthritis-pyoderma gangrenosum-acne syndrome (PAPA). Also called: PAPA SYNDROME; FAMILIAL RECURRENT ARTHRITIS. Identifiers: Orphanet 69126, MedGen C1858361, MONDO:0011462, OMIM 604416.

Allele frequency attached by ClinVar (database versions not stated): gnomAD 0.00003 and 0.00005; gnomAD exomes 0.00004 and 0.00009; ExAC 0.00032; TOPMed 0.00006.
gnomAD v4.1: 63 of 1,558,392 alleles (0.004%); highest among the groups gnomAD compares: Middle Eastern, 0.05%; 1 homozygote.

Submissions (3):

Blueprint Genetics
Classification: Likely benign. Last evaluated: 2024-10-11. Review status: criteria provided, single submitter. Criteria: ACMG Guidelines, 2015. Collection method: clinical testing. Allele origin: germline.

ARUP Laboratories, Molecular Genetics and Genomics, ARUP Laboratories
Classification: Likely benign for Pyogenic arthritis-pyoderma gangrenosum-acne syndrome. Last evaluated: 2020-03-23. Review status: criteria provided, single submitter. Criteria: ARUP Molecular Germline Variant Investigation Process. Collection method: clinical testing. Allele origin: germline.

Department of Pathology and Laboratory Medicine, Sinai Health System
Classification: Uncertain significance. Review status: no assertion criteria provided. Collection method: clinical testing. Allele origin: unknown. Affected: yes. Study: The Canadian Open Genetics Repository (COGR). Not counted in ClinVar's aggregate classification.
Comment: The PSTPIP1 p.Ala25Thr variant was not identified in the literature nor was it identified in ClinVar or LOVD 3.0. The variant was identified in dbSNP (ID: rs771172891) and in control databases in 16 of 180202 chromosomes at a frequency of 0.000089 (Genome Aggregation Database Feb 27, 2017). The variant was observed in the following populations: Other in 2 of 4714 chromosomes (freq: 0.000424), Latino in 8 of 25630 chromosomes (freq: 0.000312) and European (non-Finnish) in 6 of 80246 chromosomes (freq: 0.000075), but was not observed in the African, Ashkenazi Jewish, East Asian, European (Finnish), and South Asian populations. The variant occurs outside of the splicing consensus sequence and in silico or computational prediction software programs (SpliceSiteFinder, MaxEntScan, NNSPLICE, GeneSplicer) do not predict a difference in splicing. The p.Ala25 residue is not conserved in mammals and 3 of 4 computational analyses (PolyPhen-2, AlignGVGD, BLOSUM, MutationTaster) do not predict an impact to the protein. In summary, based on the above information the clinical significance of this variant cannot be determined with certainty at this time. This variant is classified as a variant of uncertain significance.

NM_003978.5(PSTPIP1):c.-123G>A

Gene: PSTPIP1 (proline-serine-threonine phosphatase interacting protein 1; plus strand). Cytogenetic location: 15q24.3.
Variant type: single nucleotide variant.
Coding change: c.-123G>A on transcript NM_003978.5 (MANE Select); 123 bases upstream of the start codon, G replaced by A.
Molecular consequence: 5 prime UTR variant. On other transcripts: missense variant (1), non-coding transcript variant (1).
Genome position (GRCh38, 1-based): chr15:76,995,451, G>A. VCF-style: chr15-76995451-G-A. GRCh37 (hg19) VCF-style: chr15-77287792-G-A.
Other names: c.-123G>A (NM_001321135.2); c.-369G>A (NM_001321136.2); c.73G>A, p.Ala25Thr (NM_001321137.1); short protein forms A25T.
Identifiers: ClinVar variation 993955 (VCV000993955.10), dbSNP rs771172891, ClinGen allele CA7675605.